The following is an entry in ClinVar:

ClinVar aggregate classification (germline): Uncertain significance. Review status: criteria provided, multiple submitters, no conflicts (2 of 4 stars). 3 submissions from 3 submitters: Uncertain significance (3). Last evaluated 2023-10-03.

Conditions:
Hereditary nonpolyposis colorectal neoplasms. Identifiers: MedGen C0009405, MeSH D003123.
Hereditary cancer-predisposing syndrome. Also called: Hereditary Cancer Syndrome; Hereditary neoplastic syndrome; Neoplastic Syndromes, Hereditary; Tumor predisposition. Identifiers: Orphanet 140162, MedGen C0027672, MeSH D009386, MONDO:0015356.

Allele frequency attached by ClinVar (database versions not stated): gnomAD exomes below 0.00001.
gnomAD v4.1: 2 of 1,594,160 alleles (0.00013%); highest among the groups gnomAD compares: Non-Finnish European, 0.00017%; no homozygotes.

Submissions (3):

Labcorp Genetics (formerly Invitae), Labcorp
Classification: Uncertain significance for Hereditary nonpolyposis colorectal neoplasms. Last evaluated: 2023-10-03. Review status: criteria provided, single submitter. Criteria: Invitae Variant Classification Sherloc (09022015). Collection method: clinical testing. Allele origin: germline.
Comment: This sequence change replaces aspartic acid, which is acidic and polar, with histidine, which is basic and polar, at codon 694 of the PMS2 protein (p.Asp694His). The frequency data for this variant in the population databases (gnomAD) is considered unreliable due to the presence of homologous sequence, such as pseudogenes or paralogs, in the genome. This variant has not been reported in the literature in individuals affected with PMS2-related conditions. ClinVar contains an entry for this variant (Variation ID: 1692461). Advanced modeling of protein sequence and biophysical properties (such as structural, functional, and spatial information, amino acid conservation, physicochemical variation, residue mobility, and thermodynamic stability) performed at Invitae indicates that this missense variant is expected to disrupt PMS2 protein function. In summary, the available evidence is currently insufficient to determine the role of this variant in disease. Therefore, it has been classified as a Variant of Uncertain Significance.

Ambry Genetics
Classification: Uncertain significance for Hereditary cancer-predisposing syndrome. Last evaluated: 2023-01-03. Review status: criteria provided, single submitter. Criteria: Ambry Variant Classification Scheme 2023. Collection method: clinical testing. Allele origin: germline.
Comment: The p.D694H variant (also known as c.2080G>C), located in coding exon 12 of the PMS2 gene, results from a G to C substitution at nucleotide position 2080. The aspartic acid at codon 694 is replaced by histidine, an amino acid with similar properties. This amino acid position is conserved. In addition, this alteration is predicted to be deleterious by in silico analysis. Since supporting evidence is limited at this time, the clinical significance of this alteration remains unclear.

Sema4
Classification: Uncertain significance for Hereditary cancer-predisposing syndrome. Last evaluated: 2021-09-09. Review status: criteria provided, single submitter. Criteria: Sema4 Curation Guidelines. Collection method: curation. Allele origin: germline.
Comment: The PMS2 c.2080G>C (p.D694H) variant has not been reported in the literature to our knowledge. It was not observed in the large and broad cohorts of the Genome Aggregation Database (PMID: 32461654). The variant has not been reported in ClinVar. In silico tools suggest the impact of the variant on protein function is deleterious, though these predictions have not been confirmed by functional studies. The evidence is insufficient to meet ACMG/AMP criteria for classifying the variant as benign or pathogenic. Thus, the clinical significance of this variant is currently uncertain.

NM_000535.7(PMS2):c.2080G>C (p.Asp694His)

Gene: PMS2 (PMS1 homolog 2, mismatch repair system component; minus strand). Cytogenetic location: 7p22.1.
Variant type: single nucleotide variant.
Coding change: c.2080G>C on transcript NM_000535.7 (MANE Select); coding-DNA position 2080, G replaced by C.
Protein change: p.Asp694His; replaces aspartic acid 694 with histidine.
Molecular consequence: missense variant. On other transcripts: non-coding transcript variant (1).
Genome position (GRCh38, 1-based): chr7:5,982,918, C>G on the plus strand (G>C on the coding strand, the complement: PMS2 is on the minus strand). VCF-style: chr7-5982918-C-G. GRCh37 (hg19) VCF-style: chr7-6022549-C-G.
Other names: c.1675G>C, p.Asp559His (NM_001322003.2, NM_001322004.2, NM_001322005.2 and 1 more transcripts); c.1924G>C, p.Asp642His (NM_001322006.2); c.1762G>C, p.Asp588His (NM_001322007.2, NM_001322008.2); c.1519G>C, p.Asp507His (NM_001322010.2); c.1147G>C, p.Asp383His (NM_001322011.2, NM_001322012.2); c.1507G>C, p.Asp503His (NM_001322013.2); c.2080G>C, p.Asp694His (NM_001322014.2); c.1771G>C, p.Asp591His (NM_001322015.2); short protein forms D383H, D503H, D507H, D559H, D588H, D591H, D642H, D694H.
Identifiers: ClinVar variation 1692461 (VCV001692461.9), dbSNP rs766478637, ClinGen allele CA366738042.